The following is an entry in ClinVar:

ClinVar aggregate classification (germline): Uncertain significance (1 of 4 stars; one submission).

Submission:

Ambry Genetics
Classification: Uncertain significance. Last evaluated: 2026-06-09. Review status: criteria provided, single submitter. Criteria: Ambry Variant Classification Scheme 2023. Collection method: clinical testing. Allele origin: germline.
Comment: The p.D803E variant (also known as c.2409T>A), located in coding exon 13 of the GEN1 gene, results from a T to A substitution at nucleotide position 2409. The aspartic acid at codon 803 is replaced by glutamic acid, an amino acid with highly similar properties. This amino acid position is conserved. In addition, this alteration is predicted to be tolerated by in silico analysis. Based on the available evidence, the clinical significance of this variant remains unclear.

NM_001130009.3(GEN1):c.2409T>A (p.Asp803Glu)

Gene: GEN1 (GEN1 structure-specific endonuclease; plus strand). Cytogenetic location: 2p24.2.
Variant type: single nucleotide variant.
Coding change: c.2409T>A on transcript NM_001130009.3 (MANE Select); coding-DNA position 2409, T replaced by A.
Protein change: p.Asp803Glu; replaces aspartic acid 803 with glutamic acid.
Molecular consequence: missense variant.
Genome position (GRCh38, 1-based): chr2:17,781,621, T>A. VCF-style: chr2-17781621-T-A. GRCh37 (hg19) VCF-style: chr2-17962888-T-A.
Other names: c.2409T>A, p.Asp803Glu (NM_182625.5); short protein forms D803E.
Identifiers: ClinVar variation 4858014 (VCV004858014.1).